The following is an entry in ClinVar:

ClinVar aggregate classification (germline): Uncertain significance (1 of 4 stars; one submission).

Submission:

Labcorp Genetics (formerly Invitae), Labcorp
Classification: Uncertain significance. Last evaluated: 2022-11-01. Review status: criteria provided, single submitter. Criteria: Invitae Variant Classification Sherloc (09022015). Collection method: clinical testing. Allele origin: germline.
Comment: This variant has not been reported in the literature in individuals affected with TRPM1-related conditions. This sequence change replaces tryptophan, which is neutral and slightly polar, with arginine, which is basic and polar, at codon 737 of the TRPM1 protein (p.Trp737Arg). This variant is not present in population databases (gnomAD no frequency). Advanced modeling of protein sequence and biophysical properties (such as structural, functional, and spatial information, amino acid conservation, physicochemical variation, residue mobility, and thermodynamic stability) performed at Invitae indicates that this missense variant is expected to disrupt TRPM1 protein function. In summary, the available evidence is currently insufficient to determine the role of this variant in disease. Therefore, it has been classified as a Variant of Uncertain Significance.

NM_001252024.2(TRPM1):c.2275T>C (p.Trp759Arg)

Gene: TRPM1 (transient receptor potential cation channel subfamily M member 1; minus strand). Cytogenetic location: 15q13.3.
Variant type: single nucleotide variant.
Coding change: c.2275T>C on transcript NM_001252024.2 (MANE Select); coding-DNA position 2275, T replaced by C.
Protein change: p.Trp759Arg; replaces tryptophan 759 with arginine.
Molecular consequence: missense variant.
Genome position (GRCh38, 1-based): chr15:31,040,159, A>G on the plus strand (T>C on the coding strand, the complement: TRPM1 is on the minus strand). VCF-style: chr15-31040159-A-G. GRCh37 (hg19) VCF-style: chr15-31332362-A-G.
Other names: c.2326T>C, p.Trp776Arg (NM_001252020.2); c.2209T>C, p.Trp737Arg (NM_002420.6); short protein forms W776R, W737R, W759R.
Identifiers: ClinVar variation 2100124 (VCV002100124.4), dbSNP rs2504108816, ClinGen allele CA391509558.